The following is an entry in ClinVar:

NM_000455.5(STK11):c.480G>C (p.Leu160=)

Gene: STK11 (serine/threonine kinase 11; plus strand). Cytogenetic location: 19p13.3.
Variant type: single nucleotide variant.
Coding change: c.480G>C on transcript NM_000455.5 (MANE Select); coding-DNA position 480, G replaced by C.
Protein change: p.Leu160=; no amino-acid change (leucine 160 retained).
Molecular consequence: synonymous variant. On other transcripts: non-coding transcript variant (1).
Genome position (GRCh38, 1-based): chr19:1,220,388, G>C. VCF-style: chr19-1220388-G-C. GRCh37 (hg19) VCF-style: chr19-1220387-G-C.
Other names: c.480G>C, p.Leu160= (NM_001407255.1).
Identifiers: ClinVar variation 3802387 (VCV003802387.2).
Genomic context (GRCh38, chr19:1,220,388, plus strand): 5'-GGGCAGGGAGGCCTCGGCCCCAGGACGGGTGTGTGCTGCCCGCAGGTACTTCTGTCAGCT[G>C]ATTGACGGCCTGGAGTACCTGCATAGCCAGGGCATTGTGCACAAGGACATCAAGCCGGGG-3'
Protein context (NP_000446.1, residues 150-170): VCQAHGYFCQ[Leu160=]IDGLEYLHSQ

ClinVar aggregate classification (germline): Benign/Likely benign. Review status: criteria provided, multiple submitters, no conflicts (2 of 4 stars). 2 submissions from 2 submitters: Benign (1); Likely benign (1). Last evaluated 2025-03-26.

Conditions:
Peutz-Jeghers syndrome (PJS). Also called: POLYPOSIS, HAMARTOMATOUS INTESTINAL; POLYPS-AND-SPOTS SYNDROME; Peutz-Jeghers polyposis; Periorificial lentiginosis syndrome. Identifiers: Orphanet 2869, MedGen C0031269, MeSH D010580, MONDO:0008280, OMIM 175200.
Hereditary cancer-predisposing syndrome. Also called: Hereditary Cancer Syndrome; Hereditary neoplastic syndrome; Tumor predisposition; Neoplastic Syndromes, Hereditary. Identifiers: Orphanet 140162, MedGen C0027672, MeSH D009386, MONDO:0015356.

Submissions (2):

Myriad Genetics, Inc.
Classification: Benign for Peutz-Jeghers syndrome. Last evaluated: 2025-03-26. Review status: criteria provided, single submitter. Criteria: Myriad Autosomal Dominant, Autosomal Recessive and X-Linked Classification Criteria (2023). Collection method: clinical testing. Allele origin: unknown.
Comment: This variant is considered benign. This variant is a silent/synonymous amino acid change and it is not expected to impact splicing.

Ambry Genetics
Classification: Likely benign for Hereditary cancer-predisposing syndrome. Last evaluated: 2024-12-12. Review status: criteria provided, single submitter. Criteria: Ambry Variant Classification Scheme 2023. Collection method: clinical testing. Allele origin: germline.